The following is an entry in ClinVar:

NM_006182.4(DDR2):c.215G>T (p.Trp72Leu)

Gene: DDR2 (discoidin domain receptor tyrosine kinase 2; plus strand). Cytogenetic location: 1q23.3.
Variant type: single nucleotide variant.
Coding change: c.215G>T on transcript NM_006182.4 (MANE Select); coding-DNA position 215, G replaced by T.
Protein change: p.Trp72Leu; replaces tryptophan 72 with leucine.
Molecular consequence: missense variant.
Genome position (GRCh38, 1-based): chr1:162,754,653, G>T. VCF-style: chr1-162754653-G-T. GRCh37 (hg19) VCF-style: chr1-162724443-G-T.
Other names: c.215G>T, p.Trp72Leu (NM_001014796.3, NM_001354982.2, NM_001354983.2); short protein forms W72L.
Identifiers: ClinVar variation 1333710 (VCV001333710.1), dbSNP rs2102132581, ClinGen allele CA343405041.

ClinVar aggregate classification (germline): Uncertain significance (1 of 4 stars; one submission).

Conditions:
Spondyloepimetaphyseal dysplasia-short limb-abnormal calcification syndrome (SMED-SL). Also called: SMED, TYPE II; SMED-SL/AC; SMED short limb-hand type; SMED type 2; Spondylometaepiphyseal dysplasia short limb-abnormal calcification type; Smed short limb-abnormal calcification type. Identifiers: Orphanet 93358, MedGen C1849011, MONDO:0010077, OMIM 271665.

Submission:

3billion
Classification: Uncertain significance for Spondyloepimetaphyseal dysplasia-short limb-abnormal calcification syndrome. Last evaluated: 2022-01-03. Review status: criteria provided, single submitter. Criteria: ACMG Guidelines, 2015. Collection method: clinical testing. Allele origin: germline. Affected: yes. Observed: 1 heterozygote.
Comment: The variantis not observed in the gnomAD v2.1.1 dataset (PM2_M). In silico tool predictions suggest damaging effect of the variant on gene or gene product (REVEL: 0.895, PP3_P). A missense variant is a common mechanism associated with Spondylometaepiphyseal dysplasia (PP2_P). Therefore, this variant is classified as uncertain significance according to the recommendation of ACMG/AMP guideline.